The following is an entry in ClinVar:

NM_001035.3(RYR2):c.9403A>G (p.Thr3135Ala)

Gene: RYR2 (ryanodine receptor 2; plus strand). Cytogenetic location: 1q43.
Variant type: single nucleotide variant.
Coding change: c.9403A>G on transcript NM_001035.3 (MANE Select); coding-DNA position 9403, A replaced by G.
Protein change: p.Thr3135Ala; replaces threonine 3135 with alanine.
Molecular consequence: missense variant.
Genome position (GRCh38, 1-based): chr1:237,702,013, A>G. VCF-style: chr1-237702013-A-G. GRCh37 (hg19) VCF-style: chr1-237865313-A-G.
Other names: short protein forms T3135A.
Identifiers: ClinVar variation 4757211 (VCV004757211.1).
Genomic context (GRCh38, chr1:237,702,013, plus strand): 5'-CAAGTGAGATTCTCTTTTTCCTTAGTGGAAGATGTCCAGGTGTCTTGTTATAGAATTCTG[A>G]CTAGCTTATATGCTTTGGGAACCAGCAAGAGTATTTACGTGGAGAGGTAAGAATGTTTAA-3'
Protein context (NP_001026.2, residues 3125-3145): DVQVSCYRIL[Thr3135Ala]SLYALGTSKS

ClinVar aggregate classification (germline): Uncertain significance (1 of 4 stars; one submission).

Conditions:
Cardiomyopathy (CMYO). Also called: Cardiomyopathies. Identifiers: Orphanet 167848, MedGen C0878544, MONDO:0004994, HP:0001638. Inheritance: Various modes of inheritance.

Submission:

Color Diagnostics, LLC DBA Color Health
Classification: Uncertain significance for Cardiomyopathy. Last evaluated: 2025-06-23. Review status: criteria provided, single submitter. Criteria: ACMG Guidelines, 2015. Collection method: clinical testing. Allele origin: germline.
Comment: This missense variant replaces threonine with alanine at codon 3135 of the RYR2 protein. Computational prediction suggests that this variant may not impact protein structure and function. To our knowledge, functional studies have not been reported for this variant. This variant has not been reported in individuals affected with RYR2-related disorders in the literature. This variant has not been identified in the general population by the Genome Aggregation Database (gnomAD). The available evidence is insufficient to determine the role of this variant in disease conclusively. Therefore, this variant is classified as a Variant of Uncertain Significance.